The following is an entry in ClinVar:

ClinVar aggregate classification (germline): Uncertain significance (1 of 4 stars; one submission).

Conditions:
Holoprosencephaly 5 (HPE5). Identifiers: Orphanet 2162, MedGen C1864827, MONDO:0012322, OMIM 609637.

Submission:

Labcorp Genetics (formerly Invitae), Labcorp
Classification: Uncertain significance for Holoprosencephaly 5. Last evaluated: 2023-08-07. Review status: criteria provided, single submitter. Criteria: Invitae Variant Classification Sherloc (09022015). Collection method: clinical testing. Allele origin: germline.
Comment: In summary, the available evidence is currently insufficient to determine the role of this variant in disease. Therefore, it has been classified as a Variant of Uncertain Significance. This variant has not been reported in the literature in individuals affected with ZIC2-related conditions. The frequency data for this variant in the population databases is considered unreliable, as metrics indicate insufficient coverage at this position in the gnomAD database. This variant, c.1471_1476dup, results in the insertion of 2 amino acid(s) of the ZIC2 protein (p.Gly491_Gly492dup), but otherwise preserves the integrity of the reading frame.

NM_007129.5(ZIC2):c.1468GGC[5] (p.Gly492_Ser493insGlyGly)

Gene: ZIC2 (Zic family zinc finger 2; plus strand). Cytogenetic location: 13q32.3.
Variant type: Microsatellite.
Coding change: c.1468GGC[5] on transcript NM_007129.5 (MANE Select); five copies in a row of the 3-base unit GGC starting at c.1468; the reference has three copies in a row; two copies, 6 bases duplicated.
Protein change: p.Gly492_Ser493insGlyGly.
Molecular consequence: inframe insertion.
Genome position (GRCh38, 1-based): chr13:99,985,554-99,985,559, GGCGGC duplicated; duplicating any 6 consecutive bases within chr13:99,985,551-99,985,559 gives the same sequence; the position shown is the placement nearest the transcript's 3' end. VCF-style (leftmost placement, unchanged base first): chr13-99985550-A-AGGCGGC. GRCh37 (hg19) VCF-style: chr13-100637804-A-AGGCGGC.
Identifiers: ClinVar variation 2869982 (VCV002869982.3), dbSNP rs1688373674, ClinGen allele CA2520888049.